The following is an entry in ClinVar:

ClinVar aggregate classification (germline): Conflicting classifications of pathogenicity. Review status: criteria provided, conflicting classifications (1 of 4 stars). 5 submissions from 5 submitters: Uncertain significance (3); Benign (1). 1 of the submissions does not count toward it. Last evaluated 2025-12-23.

Conditions:
Choanal atresia-athelia-hypothyroidism-delayed puberty-short stature syndrome (BCAHH). Also called: BRANCHIAL ARCH ABNORMALITIES, CHOANAL ATRESIA, ATHELIA, HEARING LOSS, AND HYPOTHYROIDISM SYNDROME. Identifiers: Orphanet 589856, MedGen C5680310, MONDO:0035651, OMIM 620186.
Kabuki syndrome 1 (KABUK1). Also called: KMT2D-Related Kabuki Syndrome. Identifiers: Orphanet 2322, MedGen CN030661, MONDO:0007843, OMIM 147920.
KMT2D-related disorder. Also called: KMT2D-Related Disorders.
Kabuki syndrome. Also called: Kabuki make-up syndrome; NIIKAWA-KUROKI SYNDROME. Identifiers: Orphanet 2322, MedGen C0796004, MONDO:0016512.

Allele frequency attached by ClinVar (database versions not stated): gnomAD 0.00001.
gnomAD v4.1: 15 of 1,526,382 alleles (0.00098%); highest among the groups gnomAD compares: Non-Finnish European, 0.0011%; no homozygotes.

Submissions (5):

Labcorp Genetics (formerly Invitae), Labcorp
Classification: Benign for Kabuki syndrome. Last evaluated: 2025-12-23. Review status: criteria provided, single submitter. Criteria: Invitae Variant Classification Sherloc (09022015). Collection method: clinical testing. Allele origin: germline.

Fulgent Genetics
Classification: Uncertain significance for Kabuki syndrome 1; Choanal atresia-athelia-hypothyroidism-delayed puberty-short stature syndrome. Last evaluated: 2024-06-04. Review status: criteria provided, single submitter. Criteria: ACMG Guidelines, 2015. Collection method: clinical testing. Allele origin: germline.

New York Genome Center
Classification: Uncertain significance for Kabuki syndrome 1. Last evaluated: 2021-09-03. Review status: criteria provided, single submitter. Criteria: NYGC Assertion Criteria 2020. Collection method: clinical testing. Allele origin: inherited. Observed: 1 heterozygote. Study: CSER-NYCKidSeq.

Genetic Services Laboratory, University of Chicago
Classification: Uncertain significance for Kabuki syndrome 1. Last evaluated: 2014-01-08. Review status: criteria provided, single submitter. Criteria: ACMG Guidelines, 2007. Collection method: clinical testing. Allele origin: germline. Inheritance: Autosomal dominant inheritance.

PreventionGenetics, part of Exact Sciences
Classification: Uncertain significance for KMT2D-related condition. Last evaluated: 2024-08-30. Review status: no assertion criteria provided. Collection method: clinical testing. Allele origin: germline. Not counted in ClinVar's aggregate classification.
Comment: The KMT2D c.6640G>A variant is predicted to result in the amino acid substitution p.Ala2214Thr. This variant was reported in an individual with Kabuki syndrome in a meta-analysis of KMT2D missense variants (Supplemental Table S3-1, Faundes et al. 2019. PubMed ID: 30459467). This variant is reported in 0.0024% of alleles in individuals of European (Non-Finnish) descent in gnomAD. At this time, the clinical significance of this variant is uncertain due to the absence of conclusive functional and genetic evidence.

NM_003482.4(KMT2D):c.6640G>A (p.Ala2214Thr)

Gene: KMT2D (lysine methyltransferase 2D; minus strand). Cytogenetic location: 12q13.12.
Variant type: single nucleotide variant.
Coding change: c.6640G>A on transcript NM_003482.4 (MANE Select); coding-DNA position 6640, G replaced by A.
Protein change: p.Ala2214Thr; replaces alanine 2214 with threonine.
Molecular consequence: missense variant.
Genome position (GRCh38, 1-based): chr12:49,041,130, C>T on the plus strand (G>A on the coding strand, the complement: KMT2D is on the minus strand). VCF-style: chr12-49041130-C-T. GRCh37 (hg19) VCF-style: chr12-49434913-C-T.
Other names: short protein forms A2214T.
Identifiers: ClinVar variation 158777 (VCV000158777.15), dbSNP rs587783724, ClinGen allele CA271650.